The following is an entry in ClinVar:

NM_001080449.3(DNA2):c.974G>C (p.Arg325Thr)

Gene: DNA2 (DNA replication helicase/nuclease 2; minus strand). Cytogenetic location: 10q21.3.
Variant type: single nucleotide variant.
Coding change: c.974G>C on transcript NM_001080449.3 (MANE Select); coding-DNA position 974, G replaced by C.
Protein change: p.Arg325Thr; replaces arginine 325 with threonine.
Molecular consequence: missense variant. On other transcripts: non-coding transcript variant (1).
Genome position (GRCh38, 1-based): chr10:68,446,379, C>G on the plus strand (G>C on the coding strand, the complement: DNA2 is on the minus strand). VCF-style: chr10-68446379-C-G. GRCh37 (hg19) VCF-style: chr10-70206136-C-G.
Other names: short protein forms R325T.
Identifiers: ClinVar variation 1700472 (VCV001700472.2), dbSNP rs773480400, ClinGen allele CA376863071.

ClinVar aggregate classification (germline): Uncertain significance (1 of 4 stars; one submission).

gnomAD v4.1: 1 of 1,595,248 alleles (0.000063%); highest among the groups gnomAD compares: African/African-American, 0.0013%; no homozygotes.

Submission:

GeneDx
Classification: Uncertain significance. Last evaluated: 2022-02-02. Review status: criteria provided, single submitter. Criteria: GeneDx Variant Classification Process June 2021. Collection method: clinical testing. Allele origin: germline. Affected: yes.
Comment: Not observed at significant frequency in large population cohorts (gnomAD); In silico analysis supports that this missense variant has a deleterious effect on protein structure/function; Has not been previously published as pathogenic or benign to our knowledge